The following is an entry in ClinVar:

ClinVar aggregate classification (germline): Uncertain significance (1 of 4 stars; one submission).

Conditions:
Werner syndrome (WRN). Identifiers: Orphanet 902, MedGen C0043119, MONDO:0010196, OMIM 277700.

Submission:

Labcorp Genetics (formerly Invitae), Labcorp
Classification: Uncertain significance for Werner syndrome. Last evaluated: 2023-09-04. Review status: criteria provided, single submitter. Criteria: Invitae Variant Classification Sherloc (09022015). Collection method: clinical testing. Allele origin: germline.
Comment: In summary, the available evidence is currently insufficient to determine the role of this variant in disease. Therefore, it has been classified as a Variant of Uncertain Significance. An algorithm developed to predict the effect of missense changes on protein structure and function (PolyPhen-2) suggests that this variant is likely to be tolerated. This variant has not been reported in the literature in individuals affected with WRN-related conditions. This variant is not present in population databases (gnomAD no frequency). This sequence change replaces cysteine, which is neutral and slightly polar, with arginine, which is basic and polar, at codon 727 of the WRN protein (p.Cys727Arg).

NM_000553.6(WRN):c.2179T>C (p.Cys727Arg)

Gene: WRN (WRN RecQ like helicase; plus strand). Cytogenetic location: 8p12.
Variant type: single nucleotide variant.
Coding change: c.2179T>C on transcript NM_000553.6 (MANE Select); coding-DNA position 2179, T replaced by C.
Protein change: p.Cys727Arg; replaces cysteine 727 with arginine.
Molecular consequence: missense variant.
Genome position (GRCh38, 1-based): chr8:31,111,705, T>C. VCF-style: chr8-31111705-T-C. GRCh37 (hg19) VCF-style: chr8-30969221-T-C.
Other names: short protein forms C727R.
Identifiers: ClinVar variation 2799461 (VCV002799461.3), dbSNP rs2535968962, ClinGen allele CA370912707.